The following is an entry in ClinVar:

ClinVar aggregate classification (germline): Pathogenic/Likely pathogenic. Review status: criteria provided, multiple submitters, no conflicts (2 of 4 stars). 2 submissions from 2 submitters: Pathogenic (1); Likely pathogenic (1). Last evaluated 2022-11-01.

Conditions:
Joubert syndrome 31. Identifiers: MedGen C4540355, MONDO:0033310, OMIM 617761.
Short-rib thoracic dysplasia 13 with or without polydactyly (SRTD13). Identifiers: Orphanet 474, MedGen C4225378, MONDO:0014577, OMIM 616300.

Submissions (2):

Labcorp Genetics (formerly Invitae), Labcorp
Classification: Pathogenic for Short-rib thoracic dysplasia 13 with or without polydactyly. Last evaluated: 2022-11-01. Review status: criteria provided, single submitter. Criteria: Invitae Variant Classification Sherloc (09022015). Collection method: clinical testing. Allele origin: germline.
Comment: For these reasons, this variant has been classified as Pathogenic. ClinVar contains an entry for this variant (Variation ID: 1376162). This variant has not been reported in the literature in individuals affected with CEP120-related conditions. This variant is present in population databases (rs781434539, gnomAD 0.05%). This sequence change creates a premature translational stop signal (p.Leu466Trpfs*11) in the CEP120 gene. It is expected to result in an absent or disrupted protein product. Loss-of-function variants in CEP120 are known to be pathogenic (PMID: 25251415, 27208211).

Juno Genomics, Hangzhou Juno Genomics, Inc
Classification: Likely pathogenic for Joubert syndrome 31; Short-rib thoracic dysplasia 13 with or without polydactyly. Review status: criteria provided, single submitter. Criteria: ACMG Guidelines, 2015. Collection method: clinical testing. Allele origin: germline. Affected: yes.
Comment: Absent from controls (or at extremely low frequency if recessive) in Genome Aggregation Database, Exome Sequencing Project, 1000 Genomes Project, or Exome Aggregation Consortium.;Null variant in a gene where loss of function (LOF) is a known mechanism of disease.

Literature cited by the submitters: PubMed 25251415 (cited by Labcorp Genetics (formerly Invitae), Labcorp); PubMed 27208211 (cited by Labcorp Genetics (formerly Invitae), Labcorp).

NM_001375405.1(CEP120):c.1397del (p.Leu466fs)

Gene: CEP120 (centrosomal protein 120; minus strand). Cytogenetic location: 5q23.2.
Variant type: Deletion.
Coding change: c.1397del on transcript NM_001375405.1 (MANE Select); coding-DNA position 1397, one base deleted (T; older notation c.1397delT).
Protein change: p.Leu466fs; shifts the reading frame from leucine 466.
Molecular consequence: frameshift variant. On other transcripts: non-coding transcript variant (1).
Genome position (GRCh38, 1-based): chr5:123,388,465, A deleted on the plus strand (T on the coding strand, the reverse complement: CEP120 is on the minus strand); the first of 2 consecutive A bases (chr5:123,388,465-123,388,466); deleting either gives the same sequence. VCF-style (leftmost placement, unchanged base first): chr5-123388464-CA-C. GRCh37 (hg19) VCF-style: chr5-122724158-CA-C.
Other names: c.1319del, p.Leu440fs (NM_001166226.2); c.1262del, p.Leu421fs (NM_001375406.1); c.1397del, p.Leu466fs (NM_001375407.1, NM_153223.4); c.824del, p.Leu275fs (NM_001375408.1, NM_001375409.1); short protein forms L275fs, L440fs, L421fs, L466fs.
Identifiers: ClinVar variation 1376162 (VCV001376162.8), dbSNP rs781434539, ClinGen allele CA3386989.